The following is an entry in ClinVar:

ClinVar aggregate classification (germline): Likely benign. Review status: criteria provided, multiple submitters, no conflicts (2 of 4 stars). 2 submissions from 2 submitters: Likely benign (2). Last evaluated 2018-06-16.

Allele frequency attached by ClinVar (database versions not stated): 1000 Genomes Project 30x 0.01280; 1000 Genomes Project 0.01298; TOPMed 0.02282; gnomAD 0.02478 and 0.02525; gnomAD exomes 0.03007.
gnomAD v4.1: 11,176 of 399,362 alleles (2.8%); highest among the groups gnomAD compares: Non-Finnish European, 3.8%; 207 homozygotes.

Submissions (2):

GeneDx
Classification: Likely benign. Last evaluated: 2018-06-16. Review status: criteria provided, single submitter. Criteria: GeneDx Variant Classification (06012015). Collection method: clinical testing. Allele origin: germline. Affected: yes.
Comment: This variant is considered likely benign or benign based on one or more of the following criteria: it is a conservative change, it occurs at a poorly conserved position in the protein, it is predicted to be benign by multiple in silico algorithms, and/or has population frequency not consistent with disease.

Breakthrough Genomics
Classification: Likely benign. Review status: criteria provided, single submitter. Criteria: ACMG Guidelines, 2015. Collection method: not provided. Allele origin: germline. Inheritance: Autosomal recessive inheritance. Affected: yes.

NM_002489.4(NDUFA4):c.189+281A>C

Gene: NDUFA4 (NDUFA4 mitochondrial complex associated; minus strand). Cytogenetic location: 7p21.3.
Variant type: single nucleotide variant.
Coding change: c.189+281A>C on transcript NM_002489.4 (MANE Select); 281 bases into the intron after coding-DNA position 189, A replaced by C.
Molecular consequence: intron variant.
Genome position (GRCh38, 1-based): chr7:10,937,809, T>G on the plus strand (A>C on the coding strand, the complement: NDUFA4 is on the minus strand). VCF-style: chr7-10937809-T-G. GRCh37 (hg19) VCF-style: chr7-10977436-T-G.
Identifiers: ClinVar variation 673394 (VCV000673394.2), dbSNP rs76335186, ClinGen allele CA15523195.